The following is an entry in ClinVar:

NM_001081.4(CUBN):c.2791G>A (p.Ala931Thr)

Gene: CUBN (cubilin; minus strand). Cytogenetic location: 10p13.
Variant type: single nucleotide variant.
Coding change: c.2791G>A on transcript NM_001081.4 (MANE Select); coding-DNA position 2791, G replaced by A.
Protein change: p.Ala931Thr; replaces alanine 931 with threonine.
Molecular consequence: missense variant.
Genome position (GRCh38, 1-based): chr10:17,068,605, C>T on the plus strand (G>A on the coding strand, the complement: CUBN is on the minus strand). VCF-style: chr10-17068605-C-T. GRCh37 (hg19) VCF-style: chr10-17110604-C-T.
Other names: short protein forms A931T.
Identifiers: ClinVar variation 1422089 (VCV001422089.7), dbSNP rs1042319182, ClinGen allele CA376156977.

ClinVar aggregate classification (germline): Uncertain significance. Review status: criteria provided, multiple submitters, no conflicts (2 of 4 stars). 2 submissions from 2 submitters: Uncertain significance (2). Last evaluated 2024-05-30.

Conditions:
Imerslund-Grasbeck syndrome. Also called: PERNICIOUS ANEMIA, JUVENILE, DUE TO SELECTIVE INTESTINAL MALABSORPTION OF VITAMIN B12, WITH PROTEINURIA; Megaloblastic anemia due to inborn errors of metabolism; ENTEROCYTE COBALAMIN MALABSORPTION; ENTEROCYTE INTRINSIC FACTOR RECEPTOR, DEFECT OF; Imerslund-Gräsbeck syndrome. Identifiers: Orphanet 35858, MedGen C4551825, MONDO:0009853.
Proteinuria, chronic benign. Identifiers: MedGen C5394384, MONDO:0030042, OMIM 618884.
Imerslund-Grasbeck syndrome type 1 (IGS1). Also called: Imerslund-Gräsbeck syndrome 1; Megaloblastic anemia 1, Finnish type; MEGALOBLASTIC ANEMIA, 1. Identifiers: MedGen C4016819, MONDO:0100156, OMIM 261100.

gnomAD v4.1: 3 of 1,610,934 alleles (0.00019%); highest among the groups gnomAD compares: East Asian, 0.0022%; no homozygotes.

Submissions (2):

Fulgent Genetics
Classification: Uncertain significance for Imerslund-Grasbeck syndrome type 1; Proteinuria, chronic benign. Last evaluated: 2024-05-30. Review status: criteria provided, single submitter. Criteria: ACMG Guidelines, 2015. Collection method: clinical testing. Allele origin: germline.

Labcorp Genetics (formerly Invitae), Labcorp
Classification: Uncertain significance for Imerslund-Grasbeck syndrome. Last evaluated: 2021-08-27. Review status: criteria provided, single submitter. Criteria: Invitae Variant Classification Sherloc (09022015). Collection method: clinical testing. Allele origin: germline.
Comment: This sequence change replaces alanine with threonine at codon 931 of the CUBN protein (p.Ala931Thr). The alanine residue is weakly conserved and there is a small physicochemical difference between alanine and threonine. This variant also falls at the last nucleotide of exon 20, which is part of the consensus splice site for this exon. This variant is not present in population databases (ExAC no frequency). This variant has not been reported in the literature in individuals affected with CUBN-related conditions. Algorithms developed to predict the effect of missense changes on protein structure and function (SIFT, PolyPhen-2, Align-GVGD) all suggest that this variant is likely to be tolerated. Variants that disrupt the consensus splice site are a relatively common cause of aberrant splicing (PMID: 17576681, 9536098). Algorithms developed to predict the effect of sequence changes on RNA splicing suggest that this variant may disrupt the consensus splice site. In summary, the available evidence is currently insufficient to determine the role of this variant in disease. Therefore, it has been classified as a Variant of Uncertain Significance.

Literature cited by the submitters: PubMed 17576681 (cited by Labcorp Genetics (formerly Invitae), Labcorp); PubMed 9536098 (cited by Labcorp Genetics (formerly Invitae), Labcorp).